The following is an entry in ClinVar:

NM_012431.3(SEMA3E):c.2122C>A (p.Pro708Thr)

Gene: SEMA3E (semaphorin 3E; minus strand). Cytogenetic location: 7q21.11.
Variant type: single nucleotide variant.
Coding change: c.2122C>A on transcript NM_012431.3 (MANE Select); coding-DNA position 2122, C replaced by A.
Protein change: p.Pro708Thr; replaces proline 708 with threonine.
Molecular consequence: missense variant.
Genome position (GRCh38, 1-based): chr7:83,367,792, G>T on the plus strand (C>A on the coding strand, the complement: SEMA3E is on the minus strand). VCF-style: chr7-83367792-G-T. GRCh37 (hg19) VCF-style: chr7-82997108-G-T.
Other names: c.1942C>A, p.Pro648Thr (NM_001178129.2); short protein forms P648T, P708T.
Identifiers: ClinVar variation 2632001 (VCV002632001.1), dbSNP rs2484246813, ClinGen allele CA367913451.

ClinVar aggregate classification (germline): Uncertain significance (1 of 4 stars; one submission).

Conditions:
SEMA3E-related disorder. Also called: SEMA3E-related condition.

Allele frequency attached by ClinVar (database versions not stated): gnomAD exomes below 0.00001.
gnomAD v4.1: 2 of 1,614,068 alleles (0.00012%); highest among the groups gnomAD compares: Non-Finnish European, 0.00017%; no homozygotes.

Submission:

PreventionGenetics, part of Exact Sciences
Classification: Uncertain significance for SEMA3E-related condition. Last evaluated: 2023-07-06. Review status: criteria provided, single submitter. Criteria: ACMG Guidelines, 2015. Collection method: clinical testing. Allele origin: germline.
Comment: The SEMA3E c.2122C>A variant is predicted to result in the amino acid substitution p.Pro708Thr. To our knowledge, this variant has not been reported in the literature or in a large population database, indicating this variant is rare. At this time, the clinical significance of this variant is uncertain due to the absence of conclusive functional and genetic evidence.